The following is an entry in ClinVar:

NM_005909.5(MAP1B):c.5127G>A (p.Pro1709=)

Gene: MAP1B (microtubule associated protein 1B; plus strand). Cytogenetic location: 5q13.2.
Variant type: single nucleotide variant.
Coding change: c.5127G>A on transcript NM_005909.5 (MANE Select); coding-DNA position 5127, G replaced by A.
Protein change: p.Pro1709=; no amino-acid change (proline 1709 retained).
Molecular consequence: synonymous variant.
Genome position (GRCh38, 1-based): chr5:72,198,482, G>A. VCF-style: chr5-72198482-G-A. GRCh37 (hg19) VCF-style: chr5-71494309-G-A.
Other names: c.4749G>A, p.Pro1583= (NM_001324255.2).
Identifiers: ClinVar variation 3033448 (VCV003033448.2), dbSNP rs367827530, ClinGen allele CA3299263.

ClinVar aggregate classification (germline): Likely benign (0 of 4 stars; one submission).

Conditions:
MAP1B-related disorder. Also called: MAP1B-related condition.

Allele frequency attached by ClinVar (database versions not stated): ESP Exome Variant Server 0.00008.
gnomAD v4.1: 126 of 1,613,728 alleles (0.0078%); highest among the groups gnomAD compares: Non-Finnish European, 0.0097%; no homozygotes.

Submission:

PreventionGenetics, part of Exact Sciences
Classification: Likely benign for MAP1B-related condition. Last evaluated: 2024-08-19. Review status: no assertion criteria provided. Collection method: clinical testing. Allele origin: germline.
Comment: This variant is classified as likely benign based on ACMG/AMP sequence variant interpretation guidelines (Richards et al. 2015 PMID: 25741868, with internal and published modifications).